The following is an entry in ClinVar:

NM_000489.6(ATRX):c.4642C>G (p.Pro1548Ala)

Gene: ATRX (ATRX chromatin remodeler; minus strand). Cytogenetic location: Xq21.1.
Variant type: single nucleotide variant.
Coding change: c.4642C>G on transcript NM_000489.6 (MANE Select); coding-DNA position 4642, C replaced by G.
Protein change: p.Pro1548Ala; replaces proline 1548 with alanine.
Molecular consequence: missense variant.
Genome position (GRCh38, 1-based): chrX:77,635,972, G>C on the plus strand (C>G on the coding strand, the complement: ATRX is on the minus strand). VCF-style: chrX-77635972-G-C. GRCh37 (hg19) VCF-style: chrX-76891463-G-C.
Other names: c.4528C>G, p.Pro1510Ala (NM_138270.5); short protein forms P1510A, P1548A.
Identifiers: ClinVar variation 3377470 (VCV003377470.1).

ClinVar aggregate classification (germline): Uncertain significance (1 of 4 stars; one submission).

Conditions:
Alpha thalassemia-X-linked intellectual disability syndrome (ATRX). Also called: ALPHA-THALASSEMIA/MENTAL RETARDATION SYNDROME, X-LINKED; ATR, NONDELETION TYPE; ATR-X syndrome; Alpha thalassemia mental retardation syndrome, nondeletion type, X-linked; XLMR hypotonic face syndrome; X-linked alpha-thalassemia-mental retardation syndrome. Identifiers: Orphanet 847, MedGen C1845055, MONDO:0010519, OMIM 301040.

gnomAD v4.1: 5 of 1,206,113 alleles (0.00041%); highest among the groups gnomAD compares: African/African-American, 0.0035%; no homozygotes.

Submission:

Victorian Clinical Genetics Services, Murdoch Childrens Research Institute
Classification: Uncertain significance for Alpha thalassemia-X-linked intellectual disability syndrome. Last evaluated: 2020-05-04. Review status: criteria provided, single submitter. Criteria: ACMG Guidelines, 2015. Collection method: clinical testing. Allele origin: germline. Affected: yes.
Comment: Based on the classification scheme VCGS_Germline_v0.6.1, this variant is classified as 3B-VUS. Following criteria are met: 0102 - Loss of function is a known mechanism of disease for this gene. 0108 - This gene is known to be associated with both recessive and dominant disease. 0200 - Variant is predicted to result in a missense amino acid change from proline to alanine (exon 16). 0301 - Variant is absent from gnomAD. 0502 - Missense variant with conflicting in-silico predictions and uninformative conservation. 0603 - Missense variant in a region that is highly intolerant to missense variation (constraint=0.25). 0705 - No comparable variants in relevant codon/region have previous evidence for pathogenicity. 0807 - Variant has not previously been reported in a clinical context. 0905 - No published segregation evidence has been identified for this variant. 1007 - No published functional evidence has been identified for this variant.